The following is an entry in ClinVar:

NM_003647.3(DGKE):c.1597A>C (p.Thr533Pro)

Gene: DGKE (diacylglycerol kinase epsilon; plus strand). Cytogenetic location: 17q22.
Variant type: single nucleotide variant.
Coding change: c.1597A>C on transcript NM_003647.3 (MANE Select); coding-DNA position 1597, A replaced by C.
Protein change: p.Thr533Pro; replaces threonine 533 with proline.
Molecular consequence: missense variant.
Genome position (GRCh38, 1-based): chr17:56,862,684, A>C. VCF-style: chr17-56862684-A-C. GRCh37 (hg19) VCF-style: chr17-54940045-A-C.
Other names: short protein forms T533P.
Identifiers: ClinVar variation 4280383 (VCV004280383.1).

ClinVar aggregate classification (germline): Uncertain significance (1 of 4 stars; one submission).

Conditions:
Atypical hemolytic-uremic syndrome. Identifiers: Orphanet 2134, MedGen C2931788, MONDO:0016244.
Mesangiocapillary glomerulonephritis. Also called: Membranoproliferative glomerulonephritis. Identifiers: MedGen C0017662, MONDO:0002461, HP:0000793.

Submission:

Genomenon, Inc
Classification: Uncertain significance for Primary membranoproliferative glomerulonephritis. Last evaluated: 2025-09-26. Review status: criteria provided, single submitter. Criteria: Genomenon Sequence Variant Interpretation Standards - Updated. Collection method: curation. Allele origin: germline. Affected: yes.
Comment: DGKE p.Thr533Pro (c.1597A>C) is a missense variant that changes the amino acid at residue 533 from Threonine to Proline. This variant has been observed in at least one proband affected with a DGKE-related disorder (PMID:32386968). The variant was found to segregate with disease in at least one affected family (PMID:32386968). It is absent or not present at a significant frequency in gnomAD. In conclusion, we classify DGKE p.Thr533Pro (c.1597A>C) as a variant of uncertain significance.

Literature cited by the submitters: PubMed 32386968.